The following is an entry in ClinVar:

ClinVar aggregate classification (germline): Conflicting classifications of pathogenicity. Review status: criteria provided, conflicting classifications (1 of 4 stars). 2 submissions from 2 submitters: Uncertain significance (1); Likely benign (1). Last evaluated 2024-08-30.

Conditions:
Developmental and epileptic encephalopathy, 14 (DEE14). Also called: Early infantile epileptic encephalopathy 14. Identifiers: Orphanet 293181, MedGen C3554195, MONDO:0013989, OMIM 614959.
Autosomal dominant nocturnal frontal lobe epilepsy 5. Also called: CILIARY DYSKINESIA, PRIMARY, 28, WITH SITUS INVERSUS; Epilepsy, nocturnal frontal lobe, 5; CILIARY DYSKINESIA, PRIMARY, 28, WITHOUT SITUS INVERSUS; KCNT1-Related Epilepsy. Identifiers: Orphanet 98784, MedGen C3554306, MONDO:0014002, OMIM 615005.

Allele frequency attached by ClinVar (database versions not stated): gnomAD exomes below 0.00001 and 0.00001; TOPMed 0.00001.
gnomAD v4.1: 1 of 1,466,078 alleles (0.000068%); highest among the groups gnomAD compares: Admixed American, 0.0026%; no homozygotes.

Submissions (2):

Labcorp Genetics (formerly Invitae), Labcorp
Classification: Likely benign for Autosomal dominant nocturnal frontal lobe epilepsy 5; Developmental and epileptic encephalopathy, 14. Last evaluated: 2024-08-30. Review status: criteria provided, single submitter. Criteria: Invitae Variant Classification Sherloc (09022015). Collection method: clinical testing. Allele origin: germline.

GeneDx
Classification: Uncertain significance. Last evaluated: 2022-06-09. Review status: criteria provided, single submitter. Criteria: GeneDx Variant Classification Process June 2021. Collection method: clinical testing. Allele origin: germline. Affected: yes.
Comment: In silico analysis supports that this missense variant does not alter protein structure/function; Has not been previously published as pathogenic or benign to our knowledge

NM_020822.3(KCNT1):c.2048C>A (p.Pro683His)

Gene: KCNT1 (potassium sodium-activated channel subfamily T member 1; plus strand). Cytogenetic location: 9q34.3.
Variant type: single nucleotide variant.
Coding change: c.2048C>A on transcript NM_020822.3 (MANE Select); coding-DNA position 2048, C replaced by A.
Protein change: p.Pro683His; replaces proline 683 with histidine.
Molecular consequence: missense variant.
Genome position (GRCh38, 1-based): chr9:135,772,754, C>A. VCF-style: chr9-135772754-C-A. GRCh37 (hg19) VCF-style: chr9-138664600-C-A.
Other names: c.1913C>A, p.Pro638His (NM_001272003.2); short protein forms P683H, P638H.
Identifiers: ClinVar variation 432960 (VCV000432960.8), dbSNP rs1411700632, ClinGen allele CA375510067.